The following is an entry in ClinVar:

NM_024577.4(SH3TC2):c.*5020C>T

Gene: SH3TC2 (SH3 domain and tetratricopeptide repeats 2; minus strand). Cytogenetic location: 5q32.
Variant type: single nucleotide variant.
Coding change: c.*5020C>T on transcript NM_024577.4 (MANE Select); 5020 bases downstream of the stop codon, C replaced by T.
Molecular consequence: 3 prime UTR variant.
Genome position (GRCh38, 1-based): chr5:148,999,691, G>A on the plus strand (C>T on the coding strand, the complement: SH3TC2 is on the minus strand). VCF-style: chr5-148999691-G-A. GRCh37 (hg19) VCF-style: chr5-148379254-G-A.
Identifiers: ClinVar variation 351814 (VCV000351814.5), dbSNP rs371723580, ClinGen allele CA10619553.

ClinVar aggregate classification (germline): Likely benign. Review status: criteria provided, single submitter (1 of 4 stars). 2 submissions from 1 submitter: Likely benign (2). Last evaluated 2018-01-13.

Conditions:
Susceptibility to mononeuropathy of the median nerve, mild. Also called: CARPAL TUNNEL SYNDROME, SUSCEPTIBILITY TO. Identifiers: MedGen C3150596, MONDO:0013237, OMIM 613353.
Charcot-Marie-Tooth disease type 4C (CMT4C). Also called: CHARCOT-MARIE-TOOTH DISEASE, DEMYELINATING, AUTOSOMAL RECESSIVE, TYPE 4C; CMT 4C; Charcot-Marie-Tooth Neuropathy Type 4C (CMT4C); CHARCOT-MARIE-TOOTH DISEASE, DEMYELINATING, TYPE 4C; SH3TC2-Related Hereditary Motor and Sensory Neuropathy. Identifiers: Orphanet 99949, MedGen C1866636, MONDO:0011113, OMIM 601596.

Allele frequency attached by ClinVar (database versions not stated): TOPMed 0.00012; 1000 Genomes Project 30x 0.00250; 1000 Genomes Project 0.00260.
gnomAD v4.1: 73 of 152,344 alleles (0.048%); highest among the groups gnomAD compares: South Asian, 1.3%; no homozygotes.

Submissions (2):

Illumina Laboratory Services, Illumina
Classification: Likely benign for Charcot-Marie-Tooth disease type 4C. Last evaluated: 2018-01-13. Review status: criteria provided, single submitter. Criteria: ICSL Variant Classification Criteria 13 December 2019. Collection method: clinical testing. Allele origin: germline.
Comment: This variant was observed in the ICSL laboratory as part of a predisposition screen in an ostensibly healthy population. It had not been previously curated by ICSL or reported in the Human Gene Mutation Database (HGMD: prior to June 1st, 2018), and was therefore a candidate for classification through an automated scoring system. Utilizing variant allele frequency, disease prevalence and penetrance estimates, and inheritance mode, an automated score was calculated to assess if this variant is too frequent to cause the disease. Based on the score and internal cut-off values, a variant classified as likely benign is not then subjected to further curation. The score for this variant resulted in a classification of likely benign for this disease.

Illumina Laboratory Services, Illumina
Classification: Likely benign for Susceptibility to mononeuropathy of the median nerve, mild. Last evaluated: 2018-01-13. Review status: criteria provided, single submitter. Criteria: ICSL Variant Classification Criteria 13 December 2019. Collection method: clinical testing. Allele origin: germline.
Comment: the same text as in the submission from Illumina Laboratory Services, Illumina above.